The following is an entry in ClinVar:

ClinVar aggregate classification (germline): Uncertain significance (1 of 4 stars; one submission).

Conditions:
Gnathodiaphyseal dysplasia (GDD). Also called: GNATHODIAPHYSEAL SCLEROSIS; OSTEOGENESIS IMPERFECTA WITH UNUSUAL SKELETAL LESIONS. Identifiers: Orphanet 53697, MedGen C1833736, MONDO:0008151, OMIM 166260.
Autosomal recessive limb-girdle muscular dystrophy type 2L (LGMDR12). Also called: Limb-girdle muscular dystrophy, type 2L; MUSCULAR DYSTROPHY, LIMB-GIRDLE, AUTOSOMAL RECESSIVE 12; Limb-Girdle Muscular Dystrophy R12 Anoctamin-5-Related (LGMD-R12). Identifiers: Orphanet 206549, MedGen C1969785, MONDO:0012652, OMIM 611307.

Submission:

Labcorp Genetics (formerly Invitae), Labcorp
Classification: Uncertain significance for Autosomal recessive limb-girdle muscular dystrophy type 2L; Gnathodiaphyseal dysplasia. Last evaluated: 2025-06-15. Review status: criteria provided, single submitter. Criteria: Invitae Variant Classification Sherloc (09022015). Collection method: clinical testing. Allele origin: germline.
Comment: This sequence change replaces aspartic acid, which is acidic and polar, with glycine, which is neutral and non-polar, at codon 602 of the ANO5 protein (p.Asp602Gly). This variant is not present in population databases (gnomAD no frequency). This variant has not been reported in the literature in individuals affected with ANO5-related conditions. An algorithm developed to predict the effect of missense changes on protein structure and function outputs the following: PolyPhen-2: "Benign". The glycine amino acid residue is found in multiple mammalian species, which suggests that this missense change does not adversely affect protein function. In summary, the available evidence is currently insufficient to determine the role of this variant in disease. Therefore, it has been classified as a Variant of Uncertain Significance.

NM_213599.3(ANO5):c.1805A>G (p.Asp602Gly)

Gene: ANO5 (anoctamin 5; plus strand). Cytogenetic location: 11p14.3.
Variant type: single nucleotide variant.
Coding change: c.1805A>G on transcript NM_213599.3 (MANE Select); coding-DNA position 1805, A replaced by G.
Protein change: p.Asp602Gly; replaces aspartic acid 602 with glycine.
Molecular consequence: missense variant.
Genome position (GRCh38, 1-based): chr11:22,262,950, A>G. VCF-style: chr11-22262950-A-G. GRCh37 (hg19) VCF-style: chr11-22284496-A-G.
Other names: c.1646A>G, p.Asp549Gly (NM_001441299.1); c.1370A>G, p.Asp457Gly (NM_001441300.1); c.1367A>G, p.Asp456Gly (NM_001441301.1); c.1319A>G, p.Asp440Gly (NM_001441302.1); c.1760A>G, p.Asp587Gly (NM_001410964.1); c.1727A>G, p.Asp576Gly (NM_001441294.1); c.1724A>G, p.Asp575Gly (NM_001441295.1); c.1712A>G, p.Asp571Gly (NM_001441296.1); and 4 more; short protein forms D440G, D562G, D575G, D456G, D549G, D576G, D457G, D550G.
Identifiers: ClinVar variation 4789397 (VCV004789397.1).